The following is an entry in ClinVar:

NM_001999.4(FBN2):c.1364G>C (p.Gly455Ala)

Gene: FBN2 (fibrillin 2; minus strand). Cytogenetic location: 5q23.3.
Variant type: single nucleotide variant.
Coding change: c.1364G>C on transcript NM_001999.4 (MANE Select); coding-DNA position 1364, G replaced by C.
Protein change: p.Gly455Ala; replaces glycine 455 with alanine.
Molecular consequence: missense variant.
Genome position (GRCh38, 1-based): chr5:128,393,236, C>G on the plus strand (G>C on the coding strand, the complement: FBN2 is on the minus strand). VCF-style: chr5-128393236-C-G. GRCh37 (hg19) VCF-style: chr5-127728929-C-G.
Other names: short protein forms G455A.
Identifiers: ClinVar variation 2764156 (VCV002764156.3), dbSNP rs202050578, ClinGen allele CA360749301.

ClinVar aggregate classification (germline): Uncertain significance (1 of 4 stars; one submission).

Conditions:
Congenital contractural arachnodactyly (CCA). Also called: BEALS SYNDROME; Arthrogryposis, distal, type 9; Beals-Hecht syndrome. Identifiers: Orphanet 115, MedGen C0220668, MONDO:0007363, OMIM 121050.

Submission:

Labcorp Genetics (formerly Invitae), Labcorp
Classification: Uncertain significance for Congenital contractural arachnodactyly. Last evaluated: 2023-09-29. Review status: criteria provided, single submitter. Criteria: Invitae Variant Classification Sherloc (09022015). Collection method: clinical testing. Allele origin: germline.
Comment: This sequence change replaces glycine, which is neutral and non-polar, with alanine, which is neutral and non-polar, at codon 455 of the FBN2 protein (p.Gly455Ala). This variant is not present in population databases (gnomAD no frequency). This variant has not been reported in the literature in individuals affected with FBN2-related conditions. Advanced modeling of protein sequence and biophysical properties (such as structural, functional, and spatial information, amino acid conservation, physicochemical variation, residue mobility, and thermodynamic stability) performed at Invitae indicates that this missense variant is not expected to disrupt FBN2 protein function. In summary, the available evidence is currently insufficient to determine the role of this variant in disease. Therefore, it has been classified as a Variant of Uncertain Significance.